The following is an entry in ClinVar:

NM_003482.4(KMT2D):c.8318C>A (p.Ser2773Tyr)

Gene: KMT2D (lysine methyltransferase 2D; minus strand). Cytogenetic location: 12q13.12.
Variant type: single nucleotide variant.
Coding change: c.8318C>A on transcript NM_003482.4 (MANE Select); coding-DNA position 8318, C replaced by A.
Protein change: p.Ser2773Tyr; replaces serine 2773 with tyrosine.
Molecular consequence: missense variant.
Genome position (GRCh38, 1-based): chr12:49,039,270, G>T on the plus strand (C>A on the coding strand, the complement: KMT2D is on the minus strand). VCF-style: chr12-49039270-G-T. GRCh37 (hg19) VCF-style: chr12-49433053-G-T.
Other names: short protein forms S2773Y.
Identifiers: ClinVar variation 5000747 (VCV005000747.1).
Genomic context (GRCh38, chr12:49,039,270, plus strand): 5'-CTGGAGCCTCACCGGCTGTTCACATCCATAGAGGAAGGCGTGGCTGGTGGAGGTGGCCGG[G>T]AGAGTCGGTCATCGCTAGGGAAGGACCCTGGCCCCAGGATGGGGCCACTCAGCTTGCTTG-3'
Protein context (NP_003473.3, residues 2763-2783): PGSFPSDDRL[Ser2773Tyr]RPPPPATPSS

ClinVar aggregate classification (germline): Uncertain significance (1 of 4 stars; one submission).

Conditions:
KMT2D-related disorder. Also called: KMT2D-Related Disorders.

Submission:

PreventionGenetics, part of Exact Sciences
Classification: Uncertain significance for KMT2D-related condition. Last evaluated: 2024-10-25. Review status: criteria provided, single submitter. Criteria: ACMG Guidelines, 2015. Collection method: clinical testing. Allele origin: germline.
Comment: The KMT2D c.8318C>A variant is predicted to result in the amino acid substitution p.Ser2773Tyr. To our knowledge, this variant has not been reported in the literature or in a large population database (gnomAD), indicating this variant is rare. At this time, the clinical significance of this variant is uncertain due to the absence of conclusive functional and genetic evidence.